The following is an entry in ClinVar:

ClinVar aggregate classification (germline): Uncertain significance (1 of 4 stars; one submission).

Conditions:
Hereditary cancer-predisposing syndrome. Also called: Tumor predisposition; Hereditary Cancer Syndrome; Hereditary neoplastic syndrome; Neoplastic Syndromes, Hereditary. Identifiers: Orphanet 140162, MedGen C0027672, MeSH D009386, MONDO:0015356.

Submission:

Ambry Genetics
Classification: Uncertain significance for Hereditary cancer-predisposing syndrome. Last evaluated: 2016-06-30. Review status: criteria provided, single submitter. Criteria: Ambry Variant Classification Scheme 2023. Collection method: clinical testing. Allele origin: germline.
Comment: The p.S88G variant (also known as c.262A>G), located in coding exon 3 of the RAD51D gene, results from an A to G substitution at nucleotide position 262. The serine at codon 88 is replaced by glycine, an amino acid with similar properties. This variant was not reported in population based cohorts in the following databases: Database of Single Nucleotide Polymorphisms (dbSNP), NHLBI Exome Sequencing Project (ESP), and 1000 Genomes Project. In the ESP, this variant was not observed in 6503 samples (13006 alleles) with coverage at this position. To date, this alteration has been detected with an allele frequency of approximately 0.001% (greater than 175000 alleles tested) in our clinical cohort. This amino acid position is well conserved in available vertebrate species. In addition, this alteration is predicted to be tolerated by in silico analysis. Since supporting evidence is limited at this time, the clinical significance of this alteration remains unclear.

NM_002878.4(RAD51D):c.262A>G (p.Ser88Gly)

Genes: RAD51L3-RFFL (RAD51L3-RFFL readthrough; minus strand), RAD51D (RAD51 paralog D; minus strand). Cytogenetic location: 17q12.
Variant type: single nucleotide variant.
Coding change: c.262A>G on transcript NM_002878.4 (MANE Select); coding-DNA position 262, A replaced by G.
Protein change: p.Ser88Gly; replaces serine 88 with glycine.
Molecular consequence: missense variant. On other transcripts: intron variant (2).
Genome position (GRCh38, 1-based): chr17:35,118,502, T>C on the plus strand (A>G on the coding strand, the complement: RAD51D is on the minus strand). VCF-style: chr17-35118502-T-C. GRCh37 (hg19) VCF-style: chr17-33445521-T-C.
Other names: c.144+609A>G (NM_133629.3, NM_001142571.2); short protein forms S88G.
Identifiers: ClinVar variation 486281 (VCV000486281.5), dbSNP rs1555570245, ClinGen allele CA399091176.
Genomic context (GRCh38, chr17:35,118,502, plus strand): 5'-GCTGAGAGGAGGCCCCATCCTCCTGCCTCTCTCCTTCTTCCCCAAGTACACACACAAACC[T>C]GCCAATGCCAGTGGACAGGATGGCAGTGGAGGTCTTCAGTTCCTCGTAGAGATCAGCGCC-3'
Protein context (NP_002869.3, residues 78-98): STAILSTGIG[Ser88Gly]LDKLLDAGLY